The following is an entry in ClinVar:

ClinVar aggregate classification (germline): Uncertain significance (1 of 4 stars; one submission).

Conditions:
Megaconial type congenital muscular dystrophy (MDCMC). Also called: CHKB-Related Muscular Dystrophy; CHKB-Related Muscle Diseases; MUSCULAR DYSTROPHY, CONGENITAL, WITH MITOCHONDRIAL STRUCTURAL ABNORMALITIES. Identifiers: Orphanet 280671, MedGen C1865233, MONDO:0011246, OMIM 602541.

Allele frequency attached by ClinVar (database versions not stated): gnomAD exomes below 0.00001; TOPMed below 0.00001.

Submission:

Labcorp Genetics (formerly Invitae), Labcorp
Classification: Uncertain significance for Megaconial type congenital muscular dystrophy. Last evaluated: 2024-04-10. Review status: criteria provided, single submitter. Criteria: Invitae Variant Classification Sherloc (09022015). Collection method: clinical testing. Allele origin: germline.
Comment: This sequence change replaces valine, which is neutral and non-polar, with alanine, which is neutral and non-polar, at codon 71 of the CHKB protein (p.Val71Ala). This variant is present in population databases (no rsID available, gnomAD 0.001%). This variant has not been reported in the literature in individuals affected with CHKB-related conditions. ClinVar contains an entry for this variant (Variation ID: 1374200). Advanced modeling of protein sequence and biophysical properties (such as structural, functional, and spatial information, amino acid conservation, physicochemical variation, residue mobility, and thermodynamic stability) performed at Invitae indicates that this missense variant is not expected to disrupt CHKB protein function with a negative predictive value of 80%. In summary, the available evidence is currently insufficient to determine the role of this variant in disease. Therefore, it has been classified as a Variant of Uncertain Significance.

NM_005198.5(CHKB):c.212T>C (p.Val71Ala)

Genes: CHKB-CPT1B (CHKB-CPT1B readthrough (NMD candidate); minus strand), CHKB (choline kinase beta; minus strand). Cytogenetic location: 22q13.33.
Variant type: single nucleotide variant.
Coding change: c.212T>C on transcript NM_005198.5 (MANE Select); coding-DNA position 212, T replaced by C.
Protein change: p.Val71Ala; replaces valine 71 with alanine.
Molecular consequence: missense variant. On other transcripts: non-coding transcript variant (1).
Genome position (GRCh38, 1-based): chr22:50,582,570, A>G on the plus strand (T>C on the coding strand, the complement: CHKB is on the minus strand). VCF-style: chr22-50582570-A-G. GRCh37 (hg19) VCF-style: chr22-51020999-A-G.
Other names: short protein forms V71A.
Identifiers: ClinVar variation 1374200 (VCV001374200.5), dbSNP rs1399285509, ClinGen allele CA412202995.